The following is an entry in ClinVar:

ClinVar aggregate classification (germline): Pathogenic. Review status: criteria provided, multiple submitters, no conflicts (2 of 4 stars). 3 submissions from 3 submitters: Pathogenic (3). Last evaluated 2025-10-15.

Conditions:
Familial cancer of breast. Also called: Hereditary breast cancer; hereditary breast carcinoma; BREAST CANCER, FAMILIAL. Identifiers: Orphanet 227535, MedGen C0346153, MONDO:0016419, OMIM 114480. Disease mechanism: loss of function.
Fanconi anemia complementation group J. Also called: BRIP1-Related Fanconi Anemia. Identifiers: Orphanet 84, MedGen C1836860, MONDO:0012187, OMIM 609054.
Hereditary cancer-predisposing syndrome. Also called: Hereditary neoplastic syndrome; Tumor predisposition; Neoplastic Syndromes, Hereditary; Hereditary Cancer Syndrome. Identifiers: Orphanet 140162, MedGen C0027672, MeSH D009386, MONDO:0015356.

Submissions (3):

Ambry Genetics
Classification: Pathogenic for Hereditary cancer-predisposing syndrome. Last evaluated: 2025-10-15. Review status: criteria provided, single submitter. Criteria: Ambry Variant Classification Scheme 2023. Collection method: clinical testing. Allele origin: germline.
Comment: The c.2581dupT pathogenic mutation, located in coding exon 18 of the BRIP1 gene, results from a duplication of T at nucleotide position 2581, causing a translational frameshift with a predicted alternate stop codon (p.S861Ffs*2). This alteration is expected to result in loss of function by premature protein truncation or nonsense-mediated mRNA decay. As such, this alteration is interpreted as a disease-causing mutation.

Labcorp Genetics (formerly Invitae), Labcorp
Classification: Pathogenic for Familial cancer of breast; Fanconi anemia complementation group J. Last evaluated: 2024-05-23. Review status: criteria provided, single submitter. Criteria: Invitae Variant Classification Sherloc (09022015). Collection method: clinical testing. Allele origin: germline.
Comment: This sequence change creates a premature translational stop signal (p.Ser861Phefs*2) in the BRIP1 gene. It is expected to result in an absent or disrupted protein product. Loss-of-function variants in BRIP1 are known to be pathogenic (PMID: 16116423, 17033622, 21964575). This variant is present in population databases (no rsID available, gnomAD 0.007%). This variant has not been reported in the literature in individuals affected with BRIP1-related conditions. ClinVar contains an entry for this variant (Variation ID: 949645). For these reasons, this variant has been classified as Pathogenic.

Myriad Genetics, Inc.
Classification: Pathogenic for Familial cancer of breast. Last evaluated: 2023-06-07. Review status: criteria provided, single submitter. Criteria: Myriad Autosomal Dominant, Autosomal Recessive and X-Linked Classification Criteria (2023). Collection method: clinical testing. Allele origin: unknown.
Comment: This variant is considered pathogenic. This variant creates a frameshift predicted to result in premature protein truncation.

Literature cited by the submitters: PubMed 16116423 (cited by Labcorp Genetics (formerly Invitae), Labcorp); PubMed 17033622 (cited by Labcorp Genetics (formerly Invitae), Labcorp); PubMed 21964575 (cited by Labcorp Genetics (formerly Invitae), Labcorp).

NM_032043.3(BRIP1):c.2581dup (p.Ser861fs)

Gene: BRIP1 (BRCA1 interacting DNA helicase 1; minus strand). Cytogenetic location: 17q23.2.
Variant type: Duplication.
Coding change: c.2581dup on transcript NM_032043.3 (MANE Select); coding-DNA position 2581, one base duplicated (T; older notation c.2581dupT).
Protein change: p.Ser861fs; shifts the reading frame from serine 861.
Molecular consequence: frameshift variant.
Genome position (GRCh38, 1-based): chr17:61,686,160, A duplicated on the plus strand (T on the coding strand, the reverse complement: BRIP1 is on the minus strand); the first of 3 consecutive A bases (chr17:61,686,160-61,686,162); duplicating any one gives the same sequence. VCF-style (leftmost placement, unchanged base first): chr17-61686159-G-GA. GRCh37 (hg19) VCF-style: chr17-59763520-G-GA.
Other names: c.2581dupT (NM_032043.2); short protein forms S861fs.
Identifiers: ClinVar variation 949645 (VCV000949645.12), dbSNP rs1567732136, ClinGen allele CA626797483.